The following is an entry in ClinVar:

ClinVar aggregate classification (germline): Uncertain significance. Review status: criteria provided, multiple submitters, no conflicts (2 of 4 stars). 2 submissions from 2 submitters: Uncertain significance (2). Last evaluated 2024-10-21.

gnomAD v4.1: 299 of 1,556,872 alleles (0.019%); highest among the groups gnomAD compares: Non-Finnish European, 0.025%; no homozygotes.

Submissions (2):

Greenwood Genetic Center Diagnostic Laboratories, Greenwood Genetic Center
Classification: Uncertain significance. Last evaluated: 2024-10-21. Review status: criteria provided, single submitter. Criteria: ACMG Guidelines, 2015. Collection method: clinical testing. Allele origin: germline. Affected: yes.
Comment: PM2

Ambry Genetics
Classification: Uncertain significance. Last evaluated: 2024-03-19. Review status: criteria provided, single submitter. Criteria: Ambry Variant Classification Scheme 2023. Collection method: clinical testing. Allele origin: germline.

NM_015656.2(KIF26A):c.226A>G (p.Lys76Glu)

Gene: KIF26A (kinesin family member 26A; plus strand). Cytogenetic location: 14q32.33.
Variant type: single nucleotide variant.
Coding change: c.226A>G on transcript NM_015656.2 (MANE Select); coding-DNA position 226, A replaced by G.
Protein change: p.Lys76Glu; replaces lysine 76 with glutamic acid.
Molecular consequence: missense variant.
Genome position (GRCh38, 1-based): chr14:104,139,226, A>G. VCF-style: chr14-104139226-A-G. GRCh37 (hg19) VCF-style: chr14-104605563-A-G.
Other names: short protein forms K76E.
Identifiers: ClinVar variation 3288554 (VCV003288554.2).